The following is an entry in ClinVar:

NM_005609.4(PYGM):c.2398C>T (p.Arg800Trp)

Gene: PYGM (glycogen phosphorylase, muscle associated; minus strand). Cytogenetic location: 11q13.1.
Variant type: single nucleotide variant.
Coding change: c.2398C>T on transcript NM_005609.4 (MANE Select); coding-DNA position 2398, C replaced by T.
Protein change: p.Arg800Trp; replaces arginine 800 with tryptophan.
Molecular consequence: missense variant.
Genome position (GRCh38, 1-based): chr11:64,746,790, G>A on the plus strand (C>T on the coding strand, the complement: PYGM is on the minus strand). VCF-style: chr11-64746790-G-A. GRCh37 (hg19) VCF-style: chr11-64514262-G-A.
Other names: c.2134C>T, p.Arg712Trp (NM_001164716.1); short protein forms R800W, R712W.
Identifiers: ClinVar variation 305265 (VCV000305265.13), dbSNP rs759260599, ClinGen allele CA6079520.

ClinVar aggregate classification (germline): Conflicting classifications of pathogenicity. Review status: criteria provided, conflicting classifications (1 of 4 stars). 5 submissions from 5 submitters: Likely pathogenic (1); Uncertain significance (4). Last evaluated 2022-04-12.

Conditions:
Glycogen storage disease, type V (GSD5). Also called: McArdle type glycogen storage disease; MCARDLE DISEASE; MUSCLE GLYCOGEN PHOSPHORYLASE DEFICIENCY; MYOPHOSPHORYLASE DEFICIENCY; PYGM DEFICIENCY. Identifiers: Orphanet 368, MedGen C0017924, MONDO:0009293, OMIM 232600.

Allele frequency attached by ClinVar (database versions not stated): gnomAD exomes 0.00002; TOPMed below 0.00001; ExAC 0.00002.
gnomAD v4.1: 20 of 1,614,136 alleles (0.0012%); highest among the groups gnomAD compares: Middle Eastern, 0.033%; no homozygotes.

Submissions (5):

Labcorp Genetics (formerly Invitae), Labcorp
Classification: Uncertain significance for Glycogen storage disease, type V. Last evaluated: 2022-04-12. Review status: criteria provided, single submitter. Criteria: Invitae Variant Classification Sherloc (09022015). Collection method: clinical testing. Allele origin: germline.
Comment: This sequence change replaces arginine, which is basic and polar, with tryptophan, which is neutral and slightly polar, at codon 800 of the PYGM protein (p.Arg800Trp). This variant is present in population databases (rs759260599, gnomAD 0.004%). This missense change has been observed in individual(s) with clinical features of PYGM-related conditions (PMID: 29382405). ClinVar contains an entry for this variant (Variation ID: 305265). Algorithms developed to predict the effect of missense changes on protein structure and function are either unavailable or do not agree on the potential impact of this missense change (SIFT: "Not Available"; PolyPhen-2: "Probably Damaging"; Align-GVGD: "Not Available"). In summary, the available evidence is currently insufficient to determine the role of this variant in disease. Therefore, it has been classified as a Variant of Uncertain Significance.

Genome-Nilou Lab
Classification: Uncertain significance for Glycogen storage disease, type V. Last evaluated: 2021-05-18. Review status: criteria provided, single submitter. Criteria: ACMG Guidelines, 2015. Collection method: clinical testing. Allele origin: germline. Affected: no.

Genomic Research Center, Shahid Beheshti University of Medical Sciences
Classification: Uncertain significance for Glycogen storage disease, type V. Last evaluated: 2019-01-01. Review status: criteria provided, single submitter. Criteria: ACMG Guidelines, 2015. Collection method: clinical testing. Allele origin: inherited. Affected: yes. Observed: 1 variant allele.

Illumina Laboratory Services, Illumina
Classification: Uncertain significance for Glycogen storage disease, type V. Last evaluated: 2018-01-13. Review status: criteria provided, single submitter. Criteria: ICSL Variant Classification Criteria 13 December 2019. Collection method: clinical testing. Allele origin: germline.

Kariminejad - Najmabadi Pathology & Genetics Center
Classification: Likely pathogenic for Glycogen storage disease, type V. Review status: criteria provided, single submitter. Criteria: ACMG Guidelines, 2015. Collection method: clinical testing. Allele origin: germline. Affected: no.

Literature cited by the submitters: PubMed 29382405 (cited by Labcorp Genetics (formerly Invitae), Labcorp).